The following is an entry in ClinVar:

NM_005862.3(STAG1):c.3751T>A (p.Ser1251Thr)

Gene: STAG1 (STAG1 cohesin complex component; minus strand). Cytogenetic location: 3q22.3.
Variant type: single nucleotide variant.
Coding change: c.3751T>A on transcript NM_005862.3 (MANE Select); coding-DNA position 3751, T replaced by A.
Protein change: p.Ser1251Thr; replaces serine 1251 with threonine.
Molecular consequence: missense variant.
Genome position (GRCh38, 1-based): chr3:136,338,372, A>T on the plus strand (T>A on the coding strand, the complement: STAG1 is on the minus strand). VCF-style: chr3-136338372-A-T. GRCh37 (hg19) VCF-style: chr3-136057214-A-T.
Other names: short protein forms S1251T.
Identifiers: ClinVar variation 2712385 (VCV002712385.3), dbSNP rs757098419, ClinGen allele CA2632310.
Genomic context (GRCh38, chr3:136,338,372, plus strand): 5'-CATGCATAAACAGGACCCAGGAACCATAAATAAAAAGCAGTAATAATTTGACATTTACTG[A>T]ATCATCTTCTATGATAGCTGCAGAGTCAAAGAAGTCTGGCCTTAGCTCAGCTCTCTCTCG-3'
Protein context (NP_005853.2, residues 1241-1258): FDSAAIIEDD[Ser1251Thr]GFGMPMF

ClinVar aggregate classification (germline): Uncertain significance (1 of 4 stars; one submission).

Allele frequency attached by ClinVar (database versions not stated): gnomAD exomes 0.00001; gnomAD 0.00002; TOPMed 0.00003; ExAC 0.00007.
gnomAD v4.1: 21 of 1,611,750 alleles (0.0013%); highest among the groups gnomAD compares: East Asian, 0.038%; no homozygotes.

Submission:

Labcorp Genetics (formerly Invitae), Labcorp
Classification: Uncertain significance. Last evaluated: 2022-11-02. Review status: criteria provided, single submitter. Criteria: Invitae Variant Classification Sherloc (09022015). Collection method: clinical testing. Allele origin: germline.
Comment: This variant has not been reported in the literature in individuals affected with STAG1-related conditions. This variant is present in population databases (rs757098419, gnomAD 0.07%), and has an allele count higher than expected for a pathogenic variant. This sequence change replaces serine, which is neutral and polar, with threonine, which is neutral and polar, at codon 1251 of the STAG1 protein (p.Ser1251Thr). Algorithms developed to predict the effect of missense changes on protein structure and function are either unavailable or do not agree on the potential impact of this missense change (SIFT: "Tolerated"; PolyPhen-2: "Possibly Damaging"; Align-GVGD: "Class C0"). In summary, the available evidence is currently insufficient to determine the role of this variant in disease. Therefore, it has been classified as a Variant of Uncertain Significance.